The following is an entry in ClinVar:

ClinVar aggregate classification (germline): Uncertain significance (1 of 4 stars; one submission).

Conditions:
Niemann-Pick disease, type C2 (NPC2). Identifiers: Orphanet 646, MedGen C1843366, MONDO:0011873, OMIM 607625.

Allele frequency attached by ClinVar (database versions not stated): gnomAD exomes below 0.00001.

Submission:

Labcorp Genetics (formerly Invitae), Labcorp
Classification: Uncertain significance for Niemann-Pick disease, type C2. Last evaluated: 2023-04-12. Review status: criteria provided, single submitter. Criteria: Invitae Variant Classification Sherloc (09022015). Collection method: clinical testing. Allele origin: germline.
Comment: In summary, the available evidence is currently insufficient to determine the role of this variant in disease. Therefore, it has been classified as a Variant of Uncertain Significance. An algorithm developed to predict the effect of missense changes on protein structure and function (PolyPhen-2) suggests that this variant is likely to be disruptive. This variant has not been reported in the literature in individuals affected with NPC2-related conditions. This variant is not present in population databases (gnomAD no frequency). This sequence change replaces glycine, which is neutral and non-polar, with arginine, which is basic and polar, at codon 32 of the NPC2 protein (p.Gly32Arg).

NM_006432.5(NPC2):c.94G>A (p.Gly32Arg)

Gene: NPC2 (NPC intracellular cholesterol transporter 2; minus strand). Cytogenetic location: 14q24.3.
Variant type: single nucleotide variant.
Coding change: c.94G>A on transcript NM_006432.5 (MANE Select); coding-DNA position 94, G replaced by A.
Protein change: p.Gly32Arg; replaces glycine 32 with arginine.
Molecular consequence: missense variant.
Genome position (GRCh38, 1-based): chr14:74,486,425, C>T on the plus strand (G>A on the coding strand, the complement: NPC2 is on the minus strand). VCF-style: chr14-74486425-C-T. GRCh37 (hg19) VCF-style: chr14-74953128-C-T.
Other names: c.94G>A, p.Gly32Arg (NM_001363688.1, NM_001375440.1); short protein forms G32R.
Identifiers: ClinVar variation 2855543 (VCV002855543.3), dbSNP rs2506107358, ClinGen allele CA390532842.